The following is an entry in ClinVar:

ClinVar aggregate classification (germline): Uncertain significance (1 of 4 stars; one submission).

Submission:

GeneDx
Classification: Uncertain significance. Last evaluated: 2024-11-03. Review status: criteria provided, single submitter. Criteria: GeneDx Variant Classification Process June 2021. Collection method: clinical testing. Allele origin: germline. Affected: yes.
Comment: In silico analysis supports that this missense variant has a deleterious effect on protein structure/function; Has not been previously published as pathogenic or benign to our knowledge

NM_018489.3(ASH1L):c.5522C>T (p.Thr1841Ile)

Gene: ASH1L (ASH1 like histone lysine methyltransferase; minus strand). Cytogenetic location: 1q22.
Variant type: single nucleotide variant.
Coding change: c.5522C>T on transcript NM_018489.3 (MANE Select); coding-DNA position 5522, C replaced by T.
Protein change: p.Thr1841Ile; replaces threonine 1841 with isoleucine.
Molecular consequence: missense variant.
Genome position (GRCh38, 1-based): chr1:155,438,633, G>A on the plus strand (C>T on the coding strand, the complement: ASH1L is on the minus strand). VCF-style: chr1-155438633-G-A. GRCh37 (hg19) VCF-style: chr1-155408424-G-A.
Other names: c.5522C>T, p.Thr1841Ile (NM_001366177.2); short protein forms T1841I.
Identifiers: ClinVar variation 3897532 (VCV003897532.1).